The following is an entry in ClinVar:

ClinVar aggregate classification (germline): Uncertain significance. Review status: criteria provided, multiple submitters, no conflicts (2 of 4 stars). 2 submissions from 2 submitters: Uncertain significance (2). Last evaluated 2025-05-19.

Allele frequency attached by ClinVar (database versions not stated): TOPMed 0.00004; gnomAD exomes 0.00012.
gnomAD v4.1: 186 of 1,613,914 alleles (0.012%); highest among the groups gnomAD compares: Non-Finnish European, 0.015%; no homozygotes.

Submissions (2):

Ambry Genetics
Classification: Uncertain significance. Last evaluated: 2025-05-19. Review status: criteria provided, single submitter. Criteria: Ambry Variant Classification Scheme 2023. Collection method: clinical testing. Allele origin: germline.

Labcorp Genetics (formerly Invitae), Labcorp
Classification: Uncertain significance. Last evaluated: 2025-03-27. Review status: criteria provided, single submitter. Criteria: Invitae Variant Classification Sherloc (09022015). Collection method: clinical testing. Allele origin: germline.
Comment: This sequence change replaces leucine, which is neutral and non-polar, with valine, which is neutral and non-polar, at codon 408 of the SPTA1 protein (p.Leu408Val). This variant is present in population databases (rs778144495, gnomAD 0.006%). This variant has not been reported in the literature in individuals affected with SPTA1-related conditions. ClinVar contains an entry for this variant (Variation ID: 2456127). Invitae Evidence Modeling of protein sequence and biophysical properties (such as structural, functional, and spatial information, amino acid conservation, physicochemical variation, residue mobility, and thermodynamic stability) indicates that this missense variant is expected to disrupt SPTA1 protein function with a positive predictive value of 80%. In summary, the available evidence is currently insufficient to determine the role of this variant in disease. Therefore, it has been classified as a Variant of Uncertain Significance.

NM_003126.4(SPTA1):c.1222C>G (p.Leu408Val)

Gene: SPTA1 (spectrin alpha, erythrocytic 1; minus strand). Cytogenetic location: 1q23.1.
Variant type: single nucleotide variant.
Coding change: c.1222C>G on transcript NM_003126.4 (MANE Select); coding-DNA position 1222, C replaced by G.
Protein change: p.Leu408Val; replaces leucine 408 with valine.
Molecular consequence: missense variant.
Genome position (GRCh38, 1-based): chr1:158,674,566, G>C on the plus strand (C>G on the coding strand, the complement: SPTA1 is on the minus strand). VCF-style: chr1-158674566-G-C. GRCh37 (hg19) VCF-style: chr1-158644356-G-C.
Other names: short protein forms L408V.
Identifiers: ClinVar variation 2456127 (VCV002456127.4), dbSNP rs778144495, ClinGen allele CA1183865.